The following is an entry in ClinVar:

NM_000264.5(PTCH1):c.4000_4023dup (p.Ser1334_Pro1341dup)

Gene: PTCH1 (patched 1; minus strand). Cytogenetic location: 9q22.32.
Variant type: Duplication.
Coding change: c.4000_4023dup on transcript NM_000264.5 (MANE Select); coding-DNA positions 4000 to 4023, 24 bases duplicated (AGCAATAGGGCCCGCTGGGGCCCT).
Protein change: p.Ser1334_Pro1341dup.
Molecular consequence: inframe insertion. On other transcripts: non-coding transcript variant (1).
Genome position (GRCh38, 1-based): chr9:95,447,233-95,447,256, AGGGCCCCAGCGGGCCCTATTGCT duplicated on the plus strand (AGCAATAGGGCCCGCTGGGGCCCT on the coding strand, the reverse complement: PTCH1 is on the minus strand); duplicating any 24 consecutive bases within chr9:95,447,233-95,447,262 gives the same sequence; the c. name uses the placement nearest the transcript's 3' end. VCF-style (leftmost placement, unchanged base first): chr9-95447232-G-GAGGGCCCCAGCGGGCCCTATTGCT. GRCh37 (hg19) VCF-style: chr9-98209514-G-GAGGGCCCCAGCGGGCCCTATTGCT.
Other names: c.3547_3570dup, p.Ser1183_Pro1190dup (NM_001083606.3, NM_001083607.3, NM_001083604.3 and 1 more transcripts); c.3844_3867dup, p.Ser1282_Pro1289dup (NM_001354918.2); c.3802_3825dup, p.Ser1268_Pro1275dup (NM_001083602.3); c.3997_4020dup, p.Ser1333_Pro1340dup (NM_001083603.3).
Identifiers: ClinVar variation 639114 (VCV000639114.9), dbSNP rs1588511230, ClinGen allele CA915947060.
Genomic context (GRCh38, chr9:95,447,232, plus strand): 5'-GCACGGAGCTGCCCATGGCAGTGGACGCTGGGTTCCGAGGGTTGTGAGAACGGGCCCCGC[G>GAGGGCCCCAGCGGGCCCTATTGCT]AGGGCCCCAGCGGGCCCTATTGCTAGGGCCAGAATGCCCTTCAGTAGAAATTTCAAAAGC-3'

ClinVar aggregate classification (germline): Uncertain significance (1 of 4 stars; one submission).

Conditions:
Gorlin syndrome. Also called: Nevoid Basal Cell Carcinoma Syndrome; Basal cell nevus syndrome. Identifiers: Orphanet 377, MedGen C0004779, MONDO:0007187.

Submission:

Labcorp Genetics (formerly Invitae), Labcorp
Classification: Uncertain significance for Gorlin syndrome. Last evaluated: 2018-07-04. Review status: criteria provided, single submitter. Criteria: Invitae Variant Classification Sherloc (09022015). Collection method: clinical testing. Allele origin: germline.
Comment: This variant, c.4000_4023dup, results in the insertion of 8 amino acids to the PTCH1 protein (p.Ser1334_Pro1341dup), but otherwise preserves the integrity of the reading frame. Experimental studies and prediction algorithms are not available for this variant, and the functional significance of the duplicated amino acids is currently unknown. This variant has not been reported in the literature in individuals with PTCH1-related disease. This variant is not present in population databases (ExAC no frequency). In summary, the available evidence is currently insufficient to determine the role of this variant in disease. Therefore, it has been classified as a Variant of Uncertain Significance.